The following is an entry in ClinVar:

NM_003331.5(TYK2):c.2716-61G>T

Gene: TYK2 (tyrosine kinase 2; minus strand). Cytogenetic location: 19p13.2.
Variant type: single nucleotide variant.
Coding change: c.2716-61G>T on transcript NM_003331.5 (MANE Select); 61 bases into the intron before coding-DNA position 2716, G replaced by T.
Molecular consequence: intron variant.
Genome position (GRCh38, 1-based): chr19:10,354,295, C>A on the plus strand (G>T on the coding strand, the complement: TYK2 is on the minus strand). VCF-style: chr19-10354295-C-A. GRCh37 (hg19) VCF-style: chr19-10464971-C-A.
Identifiers: ClinVar variation 676083 (VCV000676083.2), dbSNP rs141407156, ClinGen allele CA305194912.

ClinVar aggregate classification (germline): Likely benign. Review status: criteria provided, multiple submitters, no conflicts (2 of 4 stars). 2 submissions from 2 submitters: Likely benign (2). Last evaluated 2018-06-19.

Allele frequency attached by ClinVar (database versions not stated): gnomAD exomes 0.00053; gnomAD 0.00543 and 0.00578; TOPMed 0.00649; 1000 Genomes Project 0.00719; 1000 Genomes Project 30x 0.00812.
gnomAD v4.1: 1,639 of 1,582,766 alleles (0.1%); highest among the groups gnomAD compares: African/African-American, 1.9%; 20 homozygotes.

Submissions (2):

GeneDx
Classification: Likely benign. Last evaluated: 2018-06-19. Review status: criteria provided, single submitter. Criteria: GeneDx Variant Classification (06012015). Collection method: clinical testing. Allele origin: germline. Affected: yes.
Comment: This variant is considered likely benign or benign based on one or more of the following criteria: it is a conservative change, it occurs at a poorly conserved position in the protein, it is predicted to be benign by multiple in silico algorithms, and/or has population frequency not consistent with disease.

Breakthrough Genomics
Classification: Likely benign. Review status: criteria provided, single submitter. Criteria: ACMG Guidelines, 2015. Collection method: not provided. Allele origin: germline. Inheritance: Autosomal recessive inheritance. Affected: yes.